The following is an entry in ClinVar:

NM_130839.5(UBE3A):c.1423A>G (p.Met475Val)

Genes: SNHG14 (small nucleolar RNA host gene 14; plus strand), UBE3A (ubiquitin protein ligase E3A; minus strand). Cytogenetic location: 15q11.2.
Variant type: single nucleotide variant.
Coding change: c.1423A>G on transcript NM_130839.5 (MANE Select); coding-DNA position 1423, A replaced by G.
Protein change: p.Met475Val; replaces methionine 475 with valine.
Molecular consequence: missense variant. On other transcripts: non-coding transcript variant (1), intron variant (2).
Genome position (GRCh38, 1-based): chr15:25,370,751, T>C on the plus strand (A>G on the coding strand, the complement: UBE3A is on the minus strand). VCF-style: chr15-25370751-T-C. GRCh37 (hg19) VCF-style: chr15-25615898-T-C.
Other names: c.1432A>G, p.Met478Val (NM_000462.5); c.1423A>G, p.Met475Val (NM_001354505.1, NM_001354538.2, NM_001354545.2); c.1363A>G, p.Met455Val (NM_001354506.2, NM_001354507.2, NM_001354508.2 and 17 more transcripts); c.1246A>G, p.Met416Val (NM_001354546.2); c.301+4714A>G (NM_001354551.2); c.361+4714A>G (NM_001354550.2); c.1363A>G (NM_130838.1); short protein forms M455V, M478V, M475V, M416V.
Identifiers: ClinVar variation 218319 (VCV000218319.4), dbSNP rs864309507, ClinGen allele CA277858.

ClinVar aggregate classification (germline): Uncertain significance. Review status: criteria provided, single submitter (1 of 4 stars). 2 submissions from 2 submitters: Uncertain significance (1). 1 of the submissions does not count toward it. Last evaluated 2023-06-23.

Conditions:
Inborn genetic diseases. Identifiers: MedGen C0950123, MeSH D030342.
Autism (AUTS). Also called: Autistic disorder of childhood onset; Autistic disorder. Identifiers: MedGen C0004352, MeSH D001321, MONDO:0005260, OMIM 209850, HP:0000717.

Submissions (2):

Ambry Genetics
Classification: Uncertain significance for Inborn genetic diseases. Last evaluated: 2023-06-23. Review status: criteria provided, single submitter. Criteria: Ambry Variant Classification Scheme 2023. Collection method: clinical testing. Allele origin: germline.
Comment: The c.1363A>G (p.M455V) alteration is located in exon 3 (coding exon 3) of the UBE3A gene. This alteration results from an A to G substitution at nucleotide position 1363, causing the methionine (M) at amino acid position 455 to be replaced by a valine (V). This variant was not reported in population-based cohorts in the Genome Aggregation Database (gnomAD). This amino acid position is well conserved in available vertebrate species. This alteration is predicted to be tolerated by in silico analysis. Based on insufficient or conflicting evidence, the clinical significance of this alteration remains unclear.

Clinical Molecular Genetics Laboratory, Johns Hopkins All Children's Hospital
Classification: Uncertain significance for Autism. Last evaluated: 2010-05-20. Review status: no assertion criteria provided. Collection method: clinical testing. Allele origin: germline. Affected: yes. Observed: 4 variant alleles. Clinical features observed: Non-verbal, Pervasive developmental delay, Paroxysmal episodes. Not counted in ClinVar's aggregate classification.